The following is an entry in ClinVar:

NM_002458.3(MUC5B):c.2068A>G (p.Lys690Glu)

Gene: MUC5B (mucin 5B, oligomeric mucus/gel-forming; plus strand). Cytogenetic location: 11p15.5.
Variant type: single nucleotide variant.
Coding change: c.2068A>G on transcript NM_002458.3 (MANE Select); coding-DNA position 2068, A replaced by G.
Protein change: p.Lys690Glu; replaces lysine 690 with glutamic acid.
Molecular consequence: missense variant.
Genome position (GRCh38, 1-based): chr11:1,233,015, A>G. VCF-style: chr11-1233015-A-G. GRCh37 (hg19) VCF-style: chr11-1254245-A-G.
Other names: short protein forms K690E.
Identifiers: ClinVar variation 228861 (VCV000228861.5), dbSNP rs376986344, ClinGen allele CA5804567.

ClinVar aggregate classification (germline): Uncertain significance. Review status: criteria provided, multiple submitters, no conflicts (2 of 4 stars). 2 submissions from 2 submitters: Uncertain significance (2). Last evaluated 2025-08-03.

Allele frequency attached by ClinVar (database versions not stated): gnomAD exomes 0.00003 and 0.00011; ESP Exome Variant Server 0.00016; ExAC 0.00025; gnomAD 0.00044; TOPMed 0.00066; 1000 Genomes Project 0.00120; 1000 Genomes Project 30x 0.00156.
gnomAD v4.1: 111 of 1,586,486 alleles (0.007%); highest among the groups gnomAD compares: African/African-American, 0.12%; 1 homozygote.

Submissions (2):

Ambry Genetics
Classification: Uncertain significance. Last evaluated: 2025-08-03. Review status: criteria provided, single submitter. Criteria: Ambry Variant Classification Scheme 2023. Collection method: clinical testing. Allele origin: germline.

Laboratory for Molecular Medicine, Mass General Brigham Personalized Medicine
Classification: Uncertain significance. Last evaluated: 2016-03-16. Review status: criteria provided, single submitter. Criteria: LMM Criteria. Collection method: clinical testing. Allele origin: germline. Observed: 1 variant allele.
Comment: The p.Lys690Glu variant in MUC5B has not been previously reported in individuals with pulmonary disease, but has been identified in 0.2% (9/3796) of African chr omosomes by the Exome Aggregation Consortium (ExAC, rg; dbSNP rs376986344). Computational prediction tools and conservation analysis suggest that the p.Lys690Glu variant may impact the protein, though this inform ation is not predictive enough to determine pathogenicity. In summary, the clini cal significance of the p.Lys690Glu variant is uncertain.